The following is an entry in ClinVar:

NM_152618.3(BBS12):c.1276T>C (p.Cys426Arg)

Gene: BBS12 (Bardet-Biedl syndrome 12; plus strand). Cytogenetic location: 4q27.
Variant type: single nucleotide variant.
Coding change: c.1276T>C on transcript NM_152618.3 (MANE Select); coding-DNA position 1276, T replaced by C.
Protein change: p.Cys426Arg; replaces cysteine 426 with arginine.
Molecular consequence: missense variant.
Genome position (GRCh38, 1-based): chr4:122,743,168, T>C. VCF-style: chr4-122743168-T-C. GRCh37 (hg19) VCF-style: chr4-123664323-T-C.
Other names: c.1276T>C, p.Cys426Arg (NM_001178007.2); short protein forms C426R.
Identifiers: ClinVar variation 1030269 (VCV001030269.19), dbSNP rs771456483, ClinGen allele CA3069413.

ClinVar aggregate classification (germline): Conflicting classifications of pathogenicity. Review status: criteria provided, conflicting classifications (1 of 4 stars). 6 submissions from 6 submitters: Likely pathogenic (2); Uncertain significance (4). Last evaluated 2026-03-13.

Conditions:
Bardet-Biedl syndrome (BBS). Identifiers: Orphanet 110, MedGen C0752166, MONDO:0015229.
Retinitis pigmentosa (RP). Identifiers: Orphanet 791, MedGen C0035334, MeSH D012174, MONDO:0019200, OMIM 268000. Inheritance: Autosomal dominant, autosomal recessive and X linked inheritance.
Bardet-Biedl syndrome 12 (BBS12). Identifiers: Orphanet 110, MedGen C1859570, MONDO:0014440, OMIM 615989.

Allele frequency attached by ClinVar (database versions not stated): gnomAD exomes below 0.00001 and 0.00001; gnomAD 0.00001; TOPMed 0.00001; ExAC 0.00002.
gnomAD v4.1: 13 of 1,614,026 alleles (0.00081%); highest among the groups gnomAD compares: African/African-American, 0.0027%; no homozygotes.

Submissions (6):

GeneDx
Classification: Uncertain significance. Last evaluated: 2026-03-13. Review status: criteria provided, single submitter. Criteria: GeneDx Variant Classification Process June 2021. Collection method: clinical testing. Allele origin: germline.
Comment: In silico analysis supports that this missense variant has a deleterious effect on protein structure/function; Not observed at significant frequency in large population cohorts (gnomAD); This variant is associated with the following publications: (PMID: 33090715, 37431782, 37432431, 32448990)

Myriad Genetics, Inc.
Classification: Uncertain significance for Bardet-Biedl syndrome 12. Last evaluated: 2026-02-19. Review status: criteria provided, single submitter. Criteria: Myriad Autosomal Dominant, Autosomal Recessive and X-Linked Classification Criteria (2023). Collection method: clinical testing. Allele origin: unknown.
Comment: NM_152618.2(BBS12):c.1276T>C(C426R) is a missense variant classified as a variant of uncertain significance in the context of Bardet-Biedl syndrome, BBS12-related. C426R has been observed in cases with relevant disease (PMID: 32448990, 37431782). Relevant functional assessments of this variant are not available in the literature. C426R has been observed in referenced population frequency databases. In summary, there is insufficient evidence to classify NM_152618.2(BBS12):c.1276T>C(C426R) as pathogenic or benign. Please note: this variant was assessed in the context of healthy population screening.

Fulgent Genetics
Classification: Likely pathogenic for Bardet-Biedl syndrome 12. Last evaluated: 2024-05-08. Review status: criteria provided, single submitter. Criteria: ACMG Guidelines, 2015. Collection method: clinical testing. Allele origin: germline.

Labcorp Genetics (formerly Invitae), Labcorp
Classification: Likely pathogenic for Bardet-Biedl syndrome. Last evaluated: 2023-07-12. Review status: criteria provided, single submitter. Criteria: Invitae Variant Classification Sherloc (09022015). Collection method: clinical testing. Allele origin: germline.
Comment: ClinVar contains an entry for this variant (Variation ID: 1030269). In summary, the currently available evidence indicates that the variant is pathogenic, but additional data are needed to prove that conclusively. Therefore, this variant has been classified as Likely Pathogenic. Advanced modeling of protein sequence and biophysical properties (such as structural, functional, and spatial information, amino acid conservation, physicochemical variation, residue mobility, and thermodynamic stability) performed at Invitae indicates that this missense variant is expected to disrupt BBS12 protein function. This missense change has been observed in individual(s) with Bardet-Biedl syndrome (PMID: 32448990). This variant is present in population databases (rs771456483, gnomAD 0.002%). This sequence change replaces cysteine, which is neutral and slightly polar, with arginine, which is basic and polar, at codon 426 of the BBS12 protein (p.Cys426Arg).

SN ONGC Dept of Genetics and Molecular biology Vision Research Foundation
Classification: Uncertain significance for Bardet-Biedl syndrome. Last evaluated: 2023-06-02. Review status: criteria provided, single submitter. Criteria: ACMG Guidelines, 2015. Collection method: research. Allele origin: unknown. Affected: yes.
Comment: This variant was observed in compound heterozygosity with variant NC_000004.11:g.123664965del

DBGen Ocular Genomics
Classification: Uncertain significance for Retinitis pigmentosa. Last evaluated: 2021-05-31. Review status: criteria provided, single submitter. Criteria: ACMG Guidelines, 2015. Collection method: clinical testing. Allele origin: germline. Affected: yes. Observed: 1 variant allele.

Literature cited by the submitters: PubMed 32448990 (cited by Myriad Genetics, Inc. and Labcorp Genetics (formerly Invitae), Labcorp); PubMed 37431782 (cited by Myriad Genetics, Inc.).